The following is an entry in ClinVar:

NM_001126108.2(SLC12A3):c.2119G>T (p.Ala707Ser)

Gene: SLC12A3 (solute carrier family 12 member 3; plus strand). Cytogenetic location: 16q13.
Variant type: single nucleotide variant.
Coding change: c.2119G>T on transcript NM_001126108.2 (MANE Select); coding-DNA position 2119, G replaced by T.
Protein change: p.Ala707Ser; replaces alanine 707 with serine.
Molecular consequence: missense variant.
Genome position (GRCh38, 1-based): chr16:56,887,034, G>T. VCF-style: chr16-56887034-G-T. GRCh37 (hg19) VCF-style: chr16-56920946-G-T.
Other names: c.2119G>T, p.Ala707Ser (NM_000339.3); c.2116G>T, p.Ala706Ser (NM_001126107.2); short protein forms A707S, A706S.
Identifiers: ClinVar variation 1504656 (VCV001504656.5), dbSNP rs1233683747, ClinGen allele CA395993877.

ClinVar aggregate classification (germline): Uncertain significance (1 of 4 stars; one submission).

gnomAD v4.1: 1 of 1,613,990 alleles (0.000062%); highest among the groups gnomAD compares: Non-Finnish European, 0.000085%; no homozygotes.

Submission:

Labcorp Genetics (formerly Invitae), Labcorp
Classification: Uncertain significance. Last evaluated: 2024-02-24. Review status: criteria provided, single submitter. Criteria: Invitae Variant Classification Sherloc (09022015). Collection method: clinical testing. Allele origin: germline.
Comment: This sequence change replaces alanine, which is neutral and non-polar, with serine, which is neutral and polar, at codon 707 of the SLC12A3 protein (p.Ala707Ser). This variant is not present in population databases (gnomAD no frequency). This variant has not been reported in the literature in individuals affected with SLC12A3-related conditions. ClinVar contains an entry for this variant (Variation ID: 1504656). Advanced modeling of protein sequence and biophysical properties (such as structural, functional, and spatial information, amino acid conservation, physicochemical variation, residue mobility, and thermodynamic stability) performed at Invitae indicates that this missense variant is not expected to disrupt SLC12A3 protein function with a negative predictive value of 95%. In summary, the available evidence is currently insufficient to determine the role of this variant in disease. Therefore, it has been classified as a Variant of Uncertain Significance.